The following is an entry in ClinVar:

ClinVar aggregate classification (germline): Uncertain significance (1 of 4 stars; one submission).

Conditions:
Infantile spasms. Also called: Infantile spasm. Identifiers: MedGen C3887898, HP:0012469.

Submission:

Labcorp Genetics (formerly Invitae), Labcorp
Classification: Uncertain significance for Infantile spasms. Last evaluated: 2023-03-24. Review status: criteria provided, single submitter. Criteria: Invitae Variant Classification Sherloc (09022015). Collection method: clinical testing. Allele origin: germline.
Comment: An algorithm developed to predict the effect of missense changes on protein structure and function (PolyPhen-2) suggests that this variant is likely to be tolerated. In summary, the available evidence is currently insufficient to determine the role of this variant in disease. Therefore, it has been classified as a Variant of Uncertain Significance. Variants that disrupt the consensus splice site are a relatively common cause of aberrant splicing (PMID: 17576681, 9536098). Algorithms developed to predict the effect of sequence changes on RNA splicing suggest that this variant may disrupt the consensus splice site. ClinVar contains an entry for this variant (Variation ID: 841869). This variant has not been reported in the literature in individuals affected with PIK3AP1-related conditions. This variant is not present in population databases (gnomAD no frequency). This sequence change replaces valine, which is neutral and non-polar, with isoleucine, which is neutral and non-polar, at codon 557 of the PIK3AP1 protein (p.Val557Ile). This variant also falls at the last nucleotide of exon 10, which is part of the consensus splice site for this exon.

Literature cited by the submitters: PubMed 17576681; PubMed 9536098.

NM_152309.3(PIK3AP1):c.1669G>A (p.Val557Ile)

Gene: PIK3AP1 (phosphoinositide-3-kinase adaptor protein 1; minus strand). Cytogenetic location: 10q24.1.
Variant type: single nucleotide variant.
Coding change: c.1669G>A on transcript NM_152309.3 (MANE Select); coding-DNA position 1669, G replaced by A.
Protein change: p.Val557Ile; replaces valine 557 with isoleucine.
Molecular consequence: missense variant.
Genome position (GRCh38, 1-based): chr10:96,626,708, C>T on the plus strand (G>A on the coding strand, the complement: PIK3AP1 is on the minus strand). VCF-style: chr10-96626708-C-T. GRCh37 (hg19) VCF-style: chr10-98386465-C-T.
Other names: short protein forms V557I.
Identifiers: ClinVar variation 841869 (VCV000841869.9), dbSNP rs1843157949, ClinGen allele CA377755704.